The following is an entry in ClinVar:

ClinVar aggregate classification (germline): Uncertain significance. Review status: criteria provided, multiple submitters, no conflicts (2 of 4 stars). 3 submissions from 3 submitters: Uncertain significance (3). Last evaluated 2024-03-13.

Conditions:
Bronchiectasis with or without elevated sweat chloride 3 (BESC3). Identifiers: Orphanet 60033, MedGen C2751324, MONDO:0013112, OMIM 613071.
Pseudohypoaldosteronism, type IB3, autosomal recessive (PHA1B3). Identifiers: MedGen C5774256, MONDO:0859318, OMIM 620126.
Liddle syndrome 2. Identifiers: MedGen C4748251, MONDO:0020854, OMIM 618114.

Allele frequency attached by ClinVar (database versions not stated): gnomAD exomes 0.00003; TOPMed 0.00003; ExAC 0.00009; ESP Exome Variant Server 0.00015.
gnomAD v4.1: 51 of 1,613,746 alleles (0.0032%); highest among the groups gnomAD compares: African/African-American, 0.017%; no homozygotes.

Submissions (3):

GeneDx
Classification: Uncertain significance. Last evaluated: 2024-03-13. Review status: criteria provided, single submitter. Criteria: GeneDx Variant Classification Process June 2021. Collection method: clinical testing. Allele origin: germline. Affected: yes.
Comment: In silico analysis supports that this missense variant has a deleterious effect on protein structure/function; Has not been previously published as pathogenic or benign to our knowledge

Fulgent Genetics
Classification: Uncertain significance for Bronchiectasis with or without elevated sweat chloride 3; Liddle syndrome 2; Pseudohypoaldosteronism, type IB3, autosomal recessive. Last evaluated: 2023-12-29. Review status: criteria provided, single submitter. Criteria: ACMG Guidelines, 2015. Collection method: clinical testing. Allele origin: germline.

Labcorp Genetics (formerly Invitae), Labcorp
Classification: Uncertain significance. Last evaluated: 2023-05-19. Review status: criteria provided, single submitter. Criteria: Invitae Variant Classification Sherloc (09022015). Collection method: clinical testing. Allele origin: germline.
Comment: This sequence change replaces arginine, which is basic and polar, with cysteine, which is neutral and slightly polar, at codon 631 of the SCNN1G protein (p.Arg631Cys). This variant is present in population databases (rs150854967, gnomAD 0.04%). This variant has not been reported in the literature in individuals affected with SCNN1G-related conditions. An algorithm developed to predict the effect of missense changes on protein structure and function (PolyPhen-2) suggests that this variant is likely to be disruptive. In summary, the available evidence is currently insufficient to determine the role of this variant in disease. Therefore, it has been classified as a Variant of Uncertain Significance.

NM_001039.4(SCNN1G):c.1891C>T (p.Arg631Cys)

Gene: SCNN1G (sodium channel epithelial 1 subunit gamma; plus strand). Cytogenetic location: 16p12.2.
Variant type: single nucleotide variant.
Coding change: c.1891C>T on transcript NM_001039.4 (MANE Select); coding-DNA position 1891, C replaced by T.
Protein change: p.Arg631Cys; replaces arginine 631 with cysteine.
Molecular consequence: missense variant.
Genome position (GRCh38, 1-based): chr16:23,215,410, C>T. VCF-style: chr16-23215410-C-T. GRCh37 (hg19) VCF-style: chr16-23226731-C-T.
Other names: c.1891C>T (NM_001039.3); short protein forms R631C.
Identifiers: ClinVar variation 2897266 (VCV002897266.5), dbSNP rs150854967, ClinGen allele CA7959993.